The following is an entry in ClinVar:

NM_001349798.2(FBXW7):c.1436G>A (p.Arg479Gln)

Gene: FBXW7 (F-box and WD repeat domain containing 7; minus strand). Cytogenetic location: 4q31.3.
Variant type: single nucleotide variant.
Coding change: c.1436G>A on transcript NM_001349798.2 (MANE Select); coding-DNA position 1436, G replaced by A.
Protein change: p.Arg479Gln; replaces arginine 479 with glutamine.
Molecular consequence: missense variant.
Genome position (GRCh38, 1-based): chr4:152,326,214, C>T on the plus strand (G>A on the coding strand, the complement: FBXW7 is on the minus strand). VCF-style: chr4-152326214-C-T. GRCh37 (hg19) VCF-style: chr4-153247366-C-T.
Other names: c.1082G>A, p.Arg361Gln (LRG_1141t3, NM_001013415.2); c.1436G>A, p.Arg479Gln (LRG_1141t1, NM_033632.3); c.1196G>A, p.Arg399Gln (LRG_1141t2, NM_018315.5); short protein forms R479Q, R361Q, R399Q.
Identifiers: ClinVar variation 4530535 (VCV004530535.2), dbSNP rs866987936.

ClinVar aggregate classification (somatic clinical impact): Tier I - Strong. Review status: criteria provided, single submitter (1 of 4 stars). 2 submissions from 1 submitter. 1 of the submissions does not count toward it. Last evaluated 2023-05-30.
ClinVar aggregate classification (oncogenicity): Oncogenic (1 of 4 stars; one submission).

Conditions:
Embryonal rhabdomyosarcoma (ERMS). Also called: Botryoid rhabdomyosarcoma (type of ERMS); Spindle cell rhabdomyosarcomas (type of ERMS). Identifiers: Orphanet 99757, MedGen C0206656, MONDO:0009993, HP:0006743.
Medulloblastoma WNT activated. Identifiers: MedGen C4331965, MONDO:0850196.
Neoplasm. Also called: Neoplasms; Neoplasm (disease); tumor. Identifiers: MedGen C0027651, MeSH D009369, MONDO:0005070, HP:0002664.

gnomAD v4.1: 1 of 1,612,724 alleles (0.000062%); highest among the groups gnomAD compares: Non-Finnish European, 0.000085%; no homozygotes.

Submissions (3):

Center for Genomic Medicine, Rigshospitalet, Copenhagen University Hospital
Classification: Oncogenic for Neoplasm. Last evaluated: 2025-12-29. Review status: criteria provided, single submitter. Criteria: ClinGen/CGC/VICC Guidelines for Oncogenicity, 2022. Collection method: clinical testing. Allele origin: somatic. Affected: yes.

Institute for Genomic Medicine (IGM) Clinical Laboratory, Nationwide Children's Hospital
Classification: Tier II - Potential for Medulloblastoma WNT activated. Assertion type: diagnostic. Clinical significance: supports diagnosis. Last evaluated: 2023-09-28. Review status: criteria provided, single submitter. Criteria: AMP/ASCO/CAP Guidelines, 2017. Collection method: clinical testing. Allele origin: somatic. Affected: yes. Not counted in ClinVar's aggregate classification.
Comment: Variant has Tier II (potential) clinical significance as a diagnostic inclusion criterion in medulloblastoma WNT activated, based on the following evidence: 1) Documented in one or more cancer databases (e.g., St. Jude Pecan, COSMIC, CIViC, OncoKB). 2) Information in the literature supports potential biologic effect of variant (PMIDs: 17646408, 30722038, 17646409). 3) Diagnostic significance based on multiple small studies (Evidence Level C; PMIDs: 28726821, 33502920).

Institute for Genomic Medicine (IGM) Clinical Laboratory, Nationwide Children's Hospital
Classification: Tier I - Strong for Embryonal rhabdomyosarcoma. Assertion type: diagnostic. Clinical significance: supports diagnosis. Last evaluated: 2023-05-30. Review status: criteria provided, single submitter. Criteria: AMP/ASCO/CAP Guidelines, 2017. Collection method: clinical testing. Allele origin: somatic. Affected: yes.
Comment: Variant has Tier I (strong) clinical significance as a diagnostic inclusion criterion in embryonal rhabdomyosarcoma, based on the following evidence: 1) Appears in one or more well-established professional guidelines (e.g., World Health Organization [WHO]; National Comprehensive Cancer Network [NCCN]) as providing diagnostic, prognostic, or therapeutic information. 2) Information in the literature supports potential biologic effect of variant (PMIDs: 17646408, 30722038, 17646409). 3) Diagnostic for a specific tumor type/classification based on well-powered studies with expert-level consensus (Evidence Level B; PMIDs: 24436047, 34166060, 25768946).

Literature cited by the submitters: PubMed 17646409 (cited by Center for Genomic Medicine, Rigshospitalet, Copenhagen University Hospital and Institute for Genomic Medicine (IGM) Clinical Laboratory, Nationwide Children's Hospital); PubMed 25450649 (cited by Center for Genomic Medicine, Rigshospitalet, Copenhagen University Hospital); PubMed 30510140 (cited by Center for Genomic Medicine, Rigshospitalet, Copenhagen University Hospital); PubMed 17646408 (cited by Institute for Genomic Medicine (IGM) Clinical Laboratory, Nationwide Children's Hospital); PubMed 30722038 (cited by Institute for Genomic Medicine (IGM) Clinical Laboratory, Nationwide Children's Hospital); PubMed 28726821 (cited by Institute for Genomic Medicine (IGM) Clinical Laboratory, Nationwide Children's Hospital); PubMed 33502920 (cited by Institute for Genomic Medicine (IGM) Clinical Laboratory, Nationwide Children's Hospital); PubMed 24436047 (cited by Institute for Genomic Medicine (IGM) Clinical Laboratory, Nationwide Children's Hospital); PubMed 34166060 (cited by Institute for Genomic Medicine (IGM) Clinical Laboratory, Nationwide Children's Hospital); PubMed 25768946 (cited by Institute for Genomic Medicine (IGM) Clinical Laboratory, Nationwide Children's Hospital).